The following is an entry in ClinVar:

ClinVar aggregate classification (germline): Likely benign (0 of 4 stars; one submission).

Conditions:
MGAM-related disorder. Also called: MGAM-related condition.

Allele frequency attached by ClinVar (database versions not stated): 1000 Genomes Project 0.00120; ESP Exome Variant Server 0.00151; 1000 Genomes Project 30x 0.00156.
gnomAD v4.1: 4,046 of 1,612,324 alleles (0.25%); highest among the groups gnomAD compares: Non-Finnish European, 0.32%; 7 homozygotes.

Submission:

PreventionGenetics, part of Exact Sciences
Classification: Likely benign for MGAM-related condition. Last evaluated: 2022-05-10. Review status: no assertion criteria provided. Collection method: clinical testing. Allele origin: germline.
Comment: This variant is classified as likely benign based on ACMG/AMP sequence variant interpretation guidelines (Richards et al. 2015 PMID: 25741868, with internal and published modifications).

NM_001365693.1(MGAM):c.1201C>T (p.Arg401Cys)

Gene: MGAM (maltase-glucoamylase; plus strand). Cytogenetic location: 7q34.
Variant type: single nucleotide variant.
Coding change: c.1201C>T on transcript NM_001365693.1 (MANE Select); coding-DNA position 1201, C replaced by T.
Protein change: p.Arg401Cys; replaces arginine 401 with cysteine.
Molecular consequence: missense variant.
Genome position (GRCh38, 1-based): chr7:142,027,715, C>T. VCF-style: chr7-142027715-C-T. GRCh37 (hg19) VCF-style: chr7-141727515-C-T.
Other names: c.1201C>T, p.Arg401Cys (NM_004668.3); short protein forms R401C.
Identifiers: ClinVar variation 3034462 (VCV003034462.2), dbSNP rs188481752, ClinGen allele CA4520695.